The following is an entry in ClinVar:

ClinVar aggregate classification (germline): Likely pathogenic (1 of 4 stars; one submission).

Submission:

GeneDx
Classification: Likely pathogenic. Last evaluated: 2017-03-03. Review status: criteria provided, single submitter. Criteria: GeneDx Variant Classification (06012015). Collection method: clinical testing. Allele origin: germline. Affected: yes.
Comment: The c.1120_1122delAAT variant in the HIBCH gene has not been reported previously as a pathogenic variant nor as a benign variant, to our knowledge. The c.1120_1122delAAT variant causes an in-frame deletion of one amnio acid, Asparagine 374, denoted p.Asn374del. The c.1120_1122delAAT variant is not observed in large population cohorts (Lek et al., 2016; 1000 Genomes Consortium et al., 2015; Exome Variant Server). We interpret c.1120_1122delAAT as a likely pathogenic variant.

NM_014362.4(HIBCH):c.1117AAT[1] (p.Asn374del)

Gene: HIBCH (3-hydroxyisobutyryl-CoA hydrolase; minus strand). Cytogenetic location: 2q32.2.
Variant type: Microsatellite.
Coding change: c.1117AAT[1] on transcript NM_014362.4 (MANE Select); one copy of the 3-base unit AAT starting at c.1117; the reference has two copies in a row; one copy, 3 bases deleted.
Protein change: p.Asn374del; deletes asparagine 374.
Molecular consequence: inframe deletion. On other transcripts: 3 prime UTR variant (1).
Genome position (GRCh38, 1-based): chr2:190,205,156-190,205,158, ATT deleted on the plus strand (AAT on the coding strand, the reverse complement: HIBCH is on the minus strand); deleting any 3 consecutive bases within chr2:190,205,156-190,205,161 gives the same sequence; the position shown is the placement nearest the transcript's 3' end. VCF-style (leftmost placement, unchanged base first): chr2-190205155-GATT-G. GRCh37 (hg19) VCF-style: chr2-191069881-GATT-G.
Other names: c.*66AAT[1] (NM_198047.3); short protein forms N374del.
Identifiers: ClinVar variation 424194 (VCV000424194.2), dbSNP rs1064796851, ClinGen allele CA16617403.